The following is an entry in ClinVar:

ClinVar aggregate classification (germline): Benign. Review status: criteria provided, multiple submitters, no conflicts (2 of 4 stars). 13 submissions from 11 submitters: Benign (13). Last evaluated 2026-02-04.

Conditions:
Reynolds syndrome. Also called: PRIMARY BILIARY CIRRHOSIS, SCLERODERMA, RAYNAUD DISEASE, AND TELANGIECTASIA. Identifiers: Orphanet 779, MedGen C0748397, MONDO:0013276, OMIM 613471.
Pelger-Huët anomaly (PHA). Also called: Pelger-Huet Anomaly. Identifiers: MedGen C0030779, MONDO:0008214, OMIM 169400.
Greenberg dysplasia (GRBGD). Also called: CHONDRODYSTROPHY, HYDROPIC AND PRENATALLY LETHAL TYPE; HEM SKELETAL DYSPLASIA; MOTH-EATEN SKELETAL DYSPLASIA. Identifiers: Orphanet 1426, MedGen C2931048, MONDO:0008974, OMIM 215140.

Allele frequency attached by ClinVar (database versions not stated): 1000 Genomes Project 30x 0.65537; 1000 Genomes Project 0.65715; ESP Exome Variant Server 0.69899; gnomAD 0.71118 and 0.71598; ExAC 0.71123; TOPMed 0.71298; gnomAD exomes 0.71774 and 0.71988.
gnomAD v4.1: 1,159,565 of 1,612,512 alleles (72%); highest among the groups gnomAD compares: Admixed American, 78%; 420,235 homozygotes.

Submissions (13):

Labcorp Genetics (formerly Invitae), Labcorp
Classification: Benign. Last evaluated: 2026-02-04. Review status: criteria provided, single submitter. Criteria: Invitae Variant Classification Sherloc (09022015). Collection method: clinical testing. Allele origin: germline.

ARUP Laboratories, Molecular Genetics and Genomics, ARUP Laboratories
Classification: Benign. Last evaluated: 2025-07-22. Review status: criteria provided, single submitter. Criteria: ARUP Molecular Germline Variant Investigation Process 2024. Collection method: clinical testing. Allele origin: germline.

Blueprint Genetics
Classification: Benign. Last evaluated: 2024-11-26. Review status: criteria provided, single submitter. Criteria: ACMG Guidelines, 2015. Collection method: clinical testing. Allele origin: germline.

Genome-Nilou Lab
Classification: Benign for Reynolds syndrome. Last evaluated: 2021-08-19. Review status: criteria provided, single submitter. Criteria: ACMG Guidelines, 2015. Collection method: clinical testing. Allele origin: germline. Affected: no.

Genome-Nilou Lab
Classification: Benign for Greenberg dysplasia. Last evaluated: 2021-08-19. Review status: criteria provided, single submitter. Criteria: ACMG Guidelines, 2015. Collection method: clinical testing. Allele origin: germline. Affected: no.

Genome-Nilou Lab
Classification: Benign for Pelger-Huët anomaly. Last evaluated: 2021-08-19. Review status: criteria provided, single submitter. Criteria: ACMG Guidelines, 2015. Collection method: clinical testing. Allele origin: germline. Affected: no.

Mayo Clinic Laboratories, Mayo Clinic
Classification: Benign. Last evaluated: 2021-04-07. Review status: criteria provided, single submitter. Criteria: ACMG Guidelines, 2015. Collection method: clinical testing. Allele origin: germline. Observed: 1 variant allele.

GeneDx
Classification: Benign. Last evaluated: 2018-08-09. Review status: criteria provided, single submitter. Criteria: GeneDx Variant Classification Process June 2021. Collection method: clinical testing. Allele origin: germline. Affected: yes.

Athena Diagnostics
Classification: Benign. Last evaluated: 2018-05-06. Review status: criteria provided, single submitter. Criteria: Athena Diagnostics Criteria. Collection method: clinical testing. Allele origin: germline.

Illumina Laboratory Services, Illumina
Classification: Benign for Greenberg dysplasia. Last evaluated: 2018-01-12. Review status: criteria provided, single submitter. Criteria: ICSL Variant Classification Criteria 13 December 2019. Collection method: clinical testing. Allele origin: germline.
Comment: This variant was observed in the ICSL laboratory as part of a predisposition screen in an ostensibly healthy population. It had not been previously curated by ICSL or reported in the Human Gene Mutation Database (HGMD: prior to June 1st, 2018), and was therefore a candidate for classification through an automated scoring system. Utilizing variant allele frequency, disease prevalence and penetrance estimates, and inheritance mode, an automated score was calculated to assess if this variant is too frequent to cause the disease. Based on the score and internal cut-off values, a variant classified as benign is not then subjected to further curation. The score for this variant resulted in a classification of benign for this disease.

Laboratory for Molecular Medicine, Mass General Brigham Personalized Medicine
Classification: Benign. Last evaluated: 2016-03-28. Review status: criteria provided, single submitter. Criteria: LMM Criteria. Collection method: clinical testing. Allele origin: germline.
Comment: Variant identified in a genome or exome case(s) and assessed due to predicted null impact of the variant or pathogenic assertions in the literature or databases. Disclaimer: This variant has not undergone full assessment. The following are preliminary notes: 71% of total chromosomes in ExAC

Breakthrough Genomics
Classification: Benign. Review status: criteria provided, single submitter. Criteria: ACMG Guidelines, 2015. Collection method: not provided. Allele origin: germline. Inheritance: Autosomal recessive inheritance. Affected: yes.

PreventionGenetics, part of Exact Sciences
Classification: Benign. Review status: criteria provided, single submitter. Criteria: ACMG Guidelines, 2015. Collection method: clinical testing. Allele origin: germline.

NM_002296.4(LBR):c.117G>A (p.Val39=)

Gene: LBR (lamin B receptor; minus strand). Cytogenetic location: 1q42.12.
Variant type: single nucleotide variant.
Coding change: c.117G>A on transcript NM_002296.4 (MANE Select); coding-DNA position 117, G replaced by A.
Protein change: p.Val39=; no amino-acid change (valine 39 retained).
Molecular consequence: synonymous variant.
Genome position (GRCh38, 1-based): chr1:225,423,959, C>T on the plus strand (G>A on the coding strand, the complement: LBR is on the minus strand). VCF-style: chr1-225423959-C-T. GRCh37 (hg19) VCF-style: chr1-225611661-C-T.
Other names: p.Val39=; c.117G>A, p.Val39= (NM_194442.3).
Identifiers: ClinVar variation 258616 (VCV000258616.39), dbSNP rs1056607, ClinGen allele CA1417567.